The following is an entry in ClinVar:

ClinVar aggregate classification (germline): Uncertain significance. Review status: criteria provided, multiple submitters, no conflicts (2 of 4 stars). 2 submissions from 2 submitters: Uncertain significance (2). Last evaluated 2024-11-11.

Conditions:
Norman-Roberts syndrome (LIS2). Also called: Lissencephaly 2 (Norman-Roberts type). Identifiers: Orphanet 89844, MedGen C0796089, MONDO:0009760, OMIM 257320.
Familial temporal lobe epilepsy 7. Identifiers: Orphanet 101046, MedGen C4225327, MONDO:0014639, OMIM 616436.
Inborn genetic diseases. Identifiers: MedGen C0950123, MeSH D030342.

Allele frequency attached by ClinVar (database versions not stated): gnomAD 0.00001; TOPMed 0.00001.
gnomAD v4.1: 15 of 1,613,444 alleles (0.00093%); highest among the groups gnomAD compares: Non-Finnish European, 0.0013%; no homozygotes.

Submissions (2):

Labcorp Genetics (formerly Invitae), Labcorp
Classification: Uncertain significance for Familial temporal lobe epilepsy 7; Norman-Roberts syndrome. Last evaluated: 2024-11-11. Review status: criteria provided, single submitter. Criteria: Invitae Variant Classification Sherloc (09022015). Collection method: clinical testing. Allele origin: germline.
Comment: This sequence change replaces tyrosine, which is neutral and polar, with asparagine, which is neutral and polar, at codon 30 of the RELN protein (p.Tyr30Asn). This variant is present in population databases (no rsID available, gnomAD 0.002%). This variant has not been reported in the literature in individuals affected with RELN-related conditions. ClinVar contains an entry for this variant (Variation ID: 837528). Invitae Evidence Modeling of protein sequence and biophysical properties (such as structural, functional, and spatial information, amino acid conservation, physicochemical variation, residue mobility, and thermodynamic stability) indicates that this missense variant is not expected to disrupt RELN protein function with a negative predictive value of 80%. In summary, the available evidence is currently insufficient to determine the role of this variant in disease. Therefore, it has been classified as a Variant of Uncertain Significance.

Ambry Genetics
Classification: Uncertain significance for Inborn genetic diseases. Last evaluated: 2024-08-14. Review status: criteria provided, single submitter. Criteria: Ambry Variant Classification Scheme 2023. Collection method: clinical testing. Allele origin: germline.

NM_005045.4(RELN):c.88T>A (p.Tyr30Asn)

Gene: RELN (reelin; minus strand). Cytogenetic location: 7q22.1.
Variant type: single nucleotide variant.
Coding change: c.88T>A on transcript NM_005045.4 (MANE Select); coding-DNA position 88, T replaced by A.
Protein change: p.Tyr30Asn; replaces tyrosine 30 with asparagine.
Molecular consequence: missense variant.
Genome position (GRCh38, 1-based): chr7:103,989,269, A>T on the plus strand (T>A on the coding strand, the complement: RELN is on the minus strand). VCF-style: chr7-103989269-A-T. GRCh37 (hg19) VCF-style: chr7-103629716-A-T.
Other names: c.88T>A, p.Tyr30Asn (NM_173054.3); short protein forms Y30N.
Identifiers: ClinVar variation 837528 (VCV000837528.8), dbSNP rs764175823, ClinGen allele CA368931503.